The following is an entry in ClinVar:

ClinVar aggregate classification (germline): Uncertain significance (1 of 4 stars; one submission).

Allele frequency attached by ClinVar (database versions not stated): TOPMed below 0.00001; gnomAD 0.00001; gnomAD exomes 0.00001; ExAC 0.00002.
gnomAD v4.1: 6 of 1,613,814 alleles (0.00037%); highest among the groups gnomAD compares: Admixed American, 0.0067%; no homozygotes.

Submission:

Labcorp Genetics (formerly Invitae), Labcorp
Classification: Uncertain significance. Last evaluated: 2021-07-28. Review status: criteria provided, single submitter. Criteria: Invitae Variant Classification Sherloc (09022015). Collection method: clinical testing. Allele origin: germline.
Comment: This sequence change replaces leucine with serine at codon 780 of the KIAA1549 protein (p.Leu780Ser). The leucine residue is weakly conserved and there is a large physicochemical difference between leucine and serine. The frequency data for this variant in the population databases is considered unreliable, as metrics indicate poor data quality at this position in the ExAC database. This variant has not been reported in the literature in individuals affected with KIAA1549-related conditions. Algorithms developed to predict the effect of missense changes on protein structure and function output the following: SIFT: "Tolerated"; PolyPhen-2: "Benign"; Align-GVGD: "Class C0". The serine amino acid residue is found in multiple mammalian species, which suggests that this missense change does not adversely affect protein function. In summary, the available evidence is currently insufficient to determine the role of this variant in disease. Therefore, it has been classified as a Variant of Uncertain Significance.

NM_001164665.2(KIAA1549):c.2339T>C (p.Leu780Ser)

Gene: KIAA1549 (KIAA1549; minus strand). Cytogenetic location: 7q34.
Variant type: single nucleotide variant.
Coding change: c.2339T>C on transcript NM_001164665.2 (MANE Select); coding-DNA position 2339, T replaced by C.
Protein change: p.Leu780Ser; replaces leucine 780 with serine.
Molecular consequence: missense variant.
Genome position (GRCh38, 1-based): chr7:138,917,287, A>G on the plus strand (T>C on the coding strand, the complement: KIAA1549 is on the minus strand). VCF-style: chr7-138917287-A-G. GRCh37 (hg19) VCF-style: chr7-138602033-A-G.
Other names: c.2339T>C, p.Leu780Ser (NM_020910.3); short protein forms L780S.
Identifiers: ClinVar variation 1370695 (VCV001370695.1), dbSNP rs755814342, ClinGen allele CA4506529.
Genomic context (GRCh38, chr7:138,917,287, plus strand): 5'-GTTAAAATGGGCGTTGTGTGGACAGTGGTCAATGGTGATGTTGCTTGAATCCCGGCAGTC[A>G]AAATGTCAAAAGACTCAGAGCCGGGGGGCACCAGTGCAGTGACTGCGGATTCATGGGAAA-3'
Protein context (NP_001158137.1, residues 770-790): VPPGSESFDI[Leu780Ser]TAGIQATSPL